The following is an entry in ClinVar:

ClinVar aggregate classification (germline): Uncertain significance (1 of 4 stars; one submission).

Conditions:
Hereditary pancreatitis (PCTT). Also called: PRSS1-Related Hereditary Pancreatitis; Hereditary chronic pancreatitis. Identifiers: Orphanet 676, MedGen C0238339, MONDO:0008185, OMIM 167800.

Allele frequency attached by ClinVar (database versions not stated): gnomAD exomes below 0.00001; ExAC 0.00001.

Submission:

Labcorp Genetics (formerly Invitae), Labcorp
Classification: Uncertain significance for Hereditary pancreatitis. Last evaluated: 2021-03-08. Review status: criteria provided, single submitter. Criteria: Invitae Variant Classification Sherloc (09022015). Collection method: clinical testing. Allele origin: germline.
Comment: The frequency data for this variant in the population databases is considered unreliable, as metrics indicate poor data quality at this position in the ExAC database. In summary, the available evidence is currently insufficient to determine the role of this variant in disease. Therefore, it has been classified as a Variant of Uncertain Significance. Nucleotide substitutions within the consensus splice site are a relatively common cause of aberrant splicing (PMID: 17576681, 9536098). Algorithms developed to predict the effect of sequence changes on RNA splicing suggest that this variant may disrupt the consensus splice site, but this prediction has not been confirmed by published transcriptional studies. This variant has not been reported in the literature in individuals with PRSS1-related conditions. This sequence change falls in intron 2 of the PRSS1 gene. It does not directly change the encoded amino acid sequence of the PRSS1 protein. It affects a nucleotide within the consensus splice site of the intron.

Literature cited by the submitters: PubMed 17576681; PubMed 9536098.

NM_002769.5(PRSS1):c.200+6T>C

Genes: TRB (T cell receptor beta locus; plus strand), PRSS1 (serine protease 1; plus strand). Cytogenetic location: 7q34.
Variant type: single nucleotide variant.
Coding change: c.200+6T>C on transcript NM_002769.5 (MANE Select); 6 bases into the intron after coding-DNA position 200, T replaced by C.
Molecular consequence: intron variant.
Genome position (GRCh38, 1-based): chr7:142,750,720, T>C. VCF-style: chr7-142750720-T-C. GRCh37 (hg19) VCF-style: chr7-142458571-T-C.
Identifiers: ClinVar variation 1405352 (VCV001405352.6), dbSNP rs763073587, ClinGen allele CA4529711.